The following is an entry in ClinVar:

NM_006015.6(ARID1A):c.5287G>A (p.Glu1763Lys)

Gene: ARID1A (AT-rich interaction domain 1A; plus strand). Cytogenetic location: 1p36.11.
Variant type: single nucleotide variant.
Coding change: c.5287G>A on transcript NM_006015.6 (MANE Select); coding-DNA position 5287, G replaced by A.
Protein change: p.Glu1763Lys; replaces glutamic acid 1763 with lysine.
Molecular consequence: missense variant.
Genome position (GRCh38, 1-based): chr1:26,779,185, G>A. VCF-style: chr1-26779185-G-A. GRCh37 (hg19) VCF-style: chr1-27105676-G-A.
Other names: c.4636G>A, p.Glu1546Lys (NM_139135.4); short protein forms E1546K, E1763K.
Identifiers: ClinVar variation 3698533 (VCV003698533.2).
Genomic context (GRCh38, chr1:26,779,185, plus strand): 5'-ACGCTACTGGATCCTGGGAGGTTCAGCAAGGTGTCTAGTCCAGCTCCCATGGAGGGTGGG[G>A]AAGAAGAAGAAGAACTTCTAGGTCCTAAACTAGAAGAGGAAGAAGAAGAGGAAGTAGTTG-3'
Protein context (NP_006006.3, residues 1753-1773): VSSPAPMEGG[Glu1763Lys]EEEELLGPKL

ClinVar aggregate classification (germline): Uncertain significance (1 of 4 stars; one submission).

gnomAD v4.1: 1 of 1,605,834 alleles (0.000062%); highest among the groups gnomAD compares: Admixed American, 0.0017%; no homozygotes.

Submission:

Labcorp Genetics (formerly Invitae), Labcorp
Classification: Uncertain significance. Last evaluated: 2024-12-12. Review status: criteria provided, single submitter. Criteria: Invitae Variant Classification Sherloc (09022015). Collection method: clinical testing. Allele origin: germline.
Comment: This sequence change replaces glutamic acid, which is acidic and polar, with lysine, which is basic and polar, at codon 1763 of the ARID1A protein (p.Glu1763Lys). The frequency data for this variant in the population databases is considered unreliable, as metrics indicate poor data quality at this position in the gnomAD database. This variant has not been reported in the literature in individuals affected with ARID1A-related conditions. Invitae Evidence Modeling of protein sequence and biophysical properties (such as structural, functional, and spatial information, amino acid conservation, physicochemical variation, residue mobility, and thermodynamic stability) indicates that this missense variant is not expected to disrupt ARID1A protein function with a negative predictive value of 80%. In summary, the available evidence is currently insufficient to determine the role of this variant in disease. Therefore, it has been classified as a Variant of Uncertain Significance.